The following is an entry in ClinVar:

ClinVar aggregate classification (germline): Conflicting classifications of pathogenicity. Review status: criteria provided, conflicting classifications (1 of 4 stars). 3 submissions from 3 submitters: Uncertain significance (2); Likely benign (1). Last evaluated 2024-06-28.

Conditions:
Neurofibromatosis, type 1 (NF1). Also called: Peripheral type neurofibromatosis; NEUROFIBROMATOSIS, TYPE I, SOMATIC; Neurofibromatosis, type I; VON RECKLINGHAUSEN DISEASE. Identifiers: Orphanet 636, MedGen C0027831, MONDO:0018975, OMIM 162200. Disease mechanism: loss of function.

Submissions (3):

Labcorp Genetics (formerly Invitae), Labcorp
Classification: Likely benign for Neurofibromatosis, type 1. Last evaluated: 2024-06-28. Review status: criteria provided, single submitter. Criteria: Invitae Variant Classification Sherloc (09022015). Collection method: clinical testing. Allele origin: germline.

Quest Diagnostics Nichols Institute San Juan Capistrano
Classification: Uncertain significance. Last evaluated: 2022-10-21. Review status: criteria provided, single submitter. Criteria: Quest Diagnostics criteria. Collection method: clinical testing. Allele origin: unknown.

ARUP Laboratories, Molecular Genetics and Genomics, ARUP Laboratories
Classification: Uncertain significance. Last evaluated: 2018-10-10. Review status: criteria provided, single submitter. Criteria: ARUP Molecular Germline Variant Investigation Process. Collection method: clinical testing. Allele origin: germline.
Comment: The NF1 c.7970+7A>G variant, to our knowledge, is not described in the medical literature or in gene-specific databases. It is also absent from general population databases (1000 Genomes Project, Exome Variant Server, and Genome Aggregation Database), indicating it is not a common polymorphism. This is an intronic variant at a nucleotide that is moderately conserved. Although computational algorithms (Alamut v.2.11) predict no impact on the canonical donor splice site, this alteration is predicted to slightly strengthen a nearby cryptic acceptor splice site within the intron. However, due to the lack of clinical or functional data regarding this variant, its clinical significance cannot be determined with certainty.

NM_001042492.3(NF1):c.7970+7A>G

Gene: NF1 (neurofibromin 1; plus strand). Cytogenetic location: 17q11.2.
Variant type: single nucleotide variant.
Coding change: c.7970+7A>G on transcript NM_001042492.3 (MANE Select); 7 bases into the intron after coding-DNA position 7970, A replaced by G.
Molecular consequence: intron variant.
Genome position (GRCh38, 1-based): chr17:31,357,376, A>G. VCF-style: chr17-31357376-A-G. GRCh37 (hg19) VCF-style: chr17-29684394-A-G.
Other names: c.7907+7A>G (NM_000267.4).
Identifiers: ClinVar variation 811799 (VCV000811799.12), dbSNP rs1597867052, ClinGen allele CA915949921.
Genomic context (GRCh38, chr17:31,357,376, plus strand): 5'-TTATGAATACTTAGCAGAGGCCAGTGTTGTGTTTCCCAAAGTCTTTCCTGTTGTGTAAGT[A>G]TCTCCTTTTGATTTTAATTCACCTTCGTGCCTGTCTTTAAGTTAAATGCTTACCCAGTAA-3'